The following is an entry in ClinVar:

NM_005138.3(SCO2):c.*4A>G

Genes: NCAPH2 (non-SMC condensin II complex subunit H2; plus strand), SCO2 (synthesis of cytochrome C oxidase 2; minus strand). Cytogenetic location: 22q13.33.
Variant type: single nucleotide variant.
Coding change: c.*4A>G on transcript NM_005138.3 (MANE Select); 4 bases downstream of the stop codon, A replaced by G.
Molecular consequence: 3 prime UTR variant.
Genome position (GRCh38, 1-based): chr22:50,523,607, T>C on the plus strand (A>G on the coding strand, the complement: SCO2 is on the minus strand). VCF-style: chr22-50523607-T-C. GRCh37 (hg19) VCF-style: chr22-50962036-T-C.
Other names: c.*232T>C (NM_001185011.2, NM_152299.4); c.*4A>G (NM_001169109.2, NM_001169110.1, NM_001169111.2).
Identifiers: ClinVar variation 4684502 (VCV004684502.1).

ClinVar aggregate classification (germline): Likely benign (1 of 4 stars; one submission).

gnomAD v4.1: 57 of 1,613,026 alleles (0.0035%); highest among the groups gnomAD compares: African/African-American, 0.055%; 1 homozygote.

Submission:

Mayo Clinic Laboratories, Mayo Clinic
Classification: Likely benign. Last evaluated: 2025-06-09. Review status: criteria provided, single submitter. Criteria: ACMG Guidelines, 2015. Collection method: clinical testing. Allele origin: germline. Observed: 1 variant allele.
Comment: BP4, BP7